The following is an entry in ClinVar:

NM_000548.5(TSC2):c.2859C>G (p.Pro953=)

Gene: TSC2 (TSC complex subunit 2; plus strand). Cytogenetic location: 16p13.3.
Variant type: single nucleotide variant.
Coding change: c.2859C>G on transcript NM_000548.5 (MANE Select); coding-DNA position 2859, C replaced by G.
Protein change: p.Pro953=; no amino-acid change (proline 953 retained).
Molecular consequence: synonymous variant. On other transcripts: intron variant (31).
Genome position (GRCh38, 1-based): chr16:2,077,619, C>G. VCF-style: chr16-2077619-C-G. GRCh37 (hg19) VCF-style: chr16-2127620-C-G.
Other names: c.2712C>G, p.Pro904= (NM_001406676.1, NM_001406675.1); c.2259C>G, p.Pro753= (NM_001406680.1, NM_001406682.1, NM_001406683.1 and 1 more transcripts); c.1515C>G, p.Pro505= (NM_001406689.1); c.1493+1034C>G (NM_001406693.1, NM_001406690.1, NM_001406692.1 and 5 more transcripts); c.2927+1034C>G (NM_001406667.1, NM_001406668.1); c.2237+1034C>G (NM_001406687.1, NM_001406685.1, NM_001318831.2 and 2 more transcripts); c.1235+1034C>G (NM_001406698.1); c.2837+1034C>G (NM_021055.3, NM_001370405.1, NM_001363528.2 and 3 more transcripts); and 8 more.
Identifiers: ClinVar variation 2626448 (VCV002626448.4), dbSNP rs397514968, ClinGen allele CA492954875.

ClinVar aggregate classification (germline): Benign/Likely benign. Review status: criteria provided, multiple submitters, no conflicts (2 of 4 stars). 3 submissions from 3 submitters: Benign (1); Likely benign (2). Last evaluated 2025-05-27.

Conditions:
Hereditary cancer-predisposing syndrome. Also called: Tumor predisposition; Neoplastic Syndromes, Hereditary; Hereditary Cancer Syndrome; Hereditary neoplastic syndrome. Identifiers: Orphanet 140162, MedGen C0027672, MeSH D009386, MONDO:0015356.
Tuberous sclerosis 2 (TSC2). Identifiers: Orphanet 805, MedGen C1860707, MONDO:0013199, OMIM 613254.
Tuberous sclerosis syndrome (TSC). Also called: Tuberous Sclerosis Complex; Tuberous sclerosis. Identifiers: Orphanet 805, MedGen C0041341, MONDO:0001734.

gnomAD v4.1: 1 of 1,613,186 alleles (0.000062%); highest among the groups gnomAD compares: Non-Finnish European, 0.000085%; no homozygotes.

Submissions (3):

Myriad Genetics, Inc.
Classification: Benign for Tuberous sclerosis 2. Last evaluated: 2025-05-27. Review status: criteria provided, single submitter. Criteria: Myriad Autosomal Dominant, Autosomal Recessive and X-Linked Classification Criteria (2023). Collection method: clinical testing. Allele origin: unknown.
Comment: This variant is considered benign. This variant is a silent/synonymous amino acid change and it is not expected to impact splicing.

All of Us Research Program, National Institutes of Health
Classification: Likely benign for Tuberous sclerosis syndrome. Last evaluated: 2024-08-13. Review status: criteria provided, single submitter. Criteria: ACMG Guidelines, 2015. Collection method: clinical testing. Allele origin: germline. Inheritance: Autosomal dominant inheritance. Observed: 1 variant allele, 1 heterozygote.
Comment: This study involves interpretation of variants in research participants for the purpose of population health screening. Participant phenotype was not available at the time of variant classification. Additional details can be found in publication PMID: 35346344, PMCID: PMC8962531

Ambry Genetics
Classification: Likely benign for Hereditary cancer-predisposing syndrome. Last evaluated: 2023-08-30. Review status: criteria provided, single submitter. Criteria: Ambry Variant Classification Scheme 2023. Collection method: clinical testing. Allele origin: germline.